The following is an entry in ClinVar:

NM_004208.4(AIFM1):c.1253T>G (p.Phe418Cys)

Genes: AIFM1 (apoptosis inducing factor mitochondria associated 1; minus strand), RAB33A (RAB33A, member RAS oncogene family; plus strand). Cytogenetic location: Xq26.1.
Variant type: single nucleotide variant.
Coding change: c.1253T>G on transcript NM_004208.4 (MANE Select); coding-DNA position 1253, T replaced by G.
Protein change: p.Phe418Cys; replaces phenylalanine 418 with cysteine.
Molecular consequence: missense variant. On other transcripts: 3 prime UTR variant (1), non-coding transcript variant (1).
Genome position (GRCh38, 1-based): chrX:130,136,097, A>C on the plus strand (T>G on the coding strand, the complement: AIFM1 is on the minus strand). VCF-style: chrX-130136097-A-C. GRCh37 (hg19) VCF-style: chrX-129270072-A-C.
Other names: c.236T>G, p.Phe79Cys (NM_001130846.4); c.*481T>G (NM_001130847.4); c.1241T>G, p.Phe414Cys (NM_145812.3); short protein forms F414C, F418C, F79C.
Identifiers: ClinVar variation 3758423 (VCV003758423.2).

ClinVar aggregate classification (germline): Uncertain significance (1 of 4 stars; one submission).

Conditions:
Charcot-Marie-Tooth Neuropathy X. Identifiers: MedGen CN118851.
Combined oxidative phosphorylation deficiency. Identifiers: MedGen C4540031, MONDO:0000732.

Submission:

Labcorp Genetics (formerly Invitae), Labcorp
Classification: Uncertain significance for Charcot-Marie-Tooth Neuropathy X; Combined oxidative phosphorylation deficiency. Last evaluated: 2024-12-24. Review status: criteria provided, single submitter. Criteria: Invitae Variant Classification Sherloc (09022015). Collection method: clinical testing. Allele origin: germline.
Comment: This sequence change replaces phenylalanine, which is neutral and non-polar, with cysteine, which is neutral and slightly polar, at codon 418 of the AIFM1 protein (p.Phe418Cys). This variant is present in population databases (no rsID available, gnomAD 0.001%). This variant has not been reported in the literature in individuals affected with AIFM1-related conditions. Invitae Evidence Modeling of protein sequence and biophysical properties (such as structural, functional, and spatial information, amino acid conservation, physicochemical variation, residue mobility, and thermodynamic stability) has been performed for this missense variant. However, the output from this modeling did not meet the statistical confidence thresholds required to predict the impact of this variant on AIFM1 protein function. In summary, the available evidence is currently insufficient to determine the role of this variant in disease. Therefore, it has been classified as a Variant of Uncertain Significance.